The following is an entry in ClinVar:

NM_019098.5(CNGB3):c.29dup (p.Val11fs)

Gene: CNGB3 (cyclic nucleotide gated channel subunit beta 3; minus strand). Cytogenetic location: 8q21.3.
Variant type: Duplication.
Coding change: c.29dup on transcript NM_019098.5 (MANE Select); coding-DNA position 29, one base duplicated (A; older notation c.29dupA).
Protein change: p.Val11fs; shifts the reading frame from valine 11.
Molecular consequence: frameshift variant.
Genome position (GRCh38, 1-based): chr8:86,743,599, T duplicated on the plus strand (A on the coding strand, the reverse complement: CNGB3 is on the minus strand); the first of 2 consecutive T bases (chr8:86,743,599-86,743,600); duplicating either gives the same sequence. VCF-style (leftmost placement, unchanged base first): chr8-86743598-C-CT. GRCh37 (hg19) VCF-style: chr8-87755826-C-CT.
Other names: c.29dupA (NM_019098.4); short protein forms V11fs.
Identifiers: ClinVar variation 427643 (VCV000427643.25), dbSNP rs1442286151, ClinGen allele CA583011766.
Genomic context (GRCh38, chr8:86,743,598, plus strand): 5'-GCCTTCTTCATTCCGACGAGAACTTTGTTCATTCTCATTGTTCTCTCCTATAGGCTTCAC[C>CT]TTGTTGACTTTTGTCAGCGATTTAAACATCTTCTCTGAGGTGGTTCTGAAAACCCTCTGT-3'

ClinVar aggregate classification (germline): Pathogenic/Likely pathogenic. Review status: criteria provided, multiple submitters, no conflicts (2 of 4 stars). 6 submissions from 6 submitters: Pathogenic (4); Likely pathogenic (1). 1 of the submissions does not count toward it. Last evaluated 2025-12-03.

Conditions:
CNGB3-related disorder. Also called: CNGB3-related condition; CNGB3-related disorders. Identifiers: MedGen CN239340.
Achromatopsia. Also called: Rod monochromatism. Identifiers: Orphanet 49382, MedGen C0152200, MONDO:0018852, HP:0011516.
Achromatopsia 3 (ACHM3). Also called: ACHROMATOPSIA WITH MYOPIA; ROD MONOCHROMACY 1; ROD MONOCHROMATISM 1; PINGELAPESE BLINDNESS; TOTAL COLORBLINDNESS WITH MYOPIA. Identifiers: Orphanet 49382, MedGen C1849792, MONDO:0009875, OMIM 262300.

Submissions (6):

Natera, Inc.
Classification: Pathogenic for Achromatopsia. Last evaluated: 2025-12-03. Review status: criteria provided, single submitter. Criteria: Natera Variant Classification Schema (03/2026). Collection method: clinical testing. Allele origin: germline.
Comment: The c.29dupA variant in CNGB3 is a frameshift variant predicted to shift the reading frame beginning at codon 11 and leads to a stop codon 9 codons downstream. This variant is expected to result in nonsense mediated decay, truncation, or a dysfunctional protein product. This variant is rare in the general population with a frequency below the threshold expected for the associated phenotype(s). This variant has been observed in one or more individuals affected with the associated recessive disease, as either homozygous or compound heterozygous with a second variant (PMID: 28795510). Given the available evidence, this variant is classified as Pathogenic.

PreventionGenetics, part of Exact Sciences
Classification: Pathogenic for CNGB3-related condition. Last evaluated: 2025-05-21. Review status: criteria provided, single submitter. Criteria: ACMG Guidelines, 2015. Collection method: clinical testing. Allele origin: germline.
Comment: The CNGB3 c.29dupA variant is predicted to result in a frameshift and premature protein termination (p.Val11Glyfs*9). This variant was reported in individuals with achromatopsia (reported as c.29_30insA in Kohl et al. 2005. PubMed ID: 15657609; Mayer et al. 2017. PubMed ID: 28795510). This variant is reported on one allele in the 'remaining individuals' subpopulation in the gnomAD database. Frameshift variants in CNGB3 are expected to be pathogenic. This variant is interpreted as pathogenic.

CeGaT Center for Human Genetics Tuebingen
Classification: Pathogenic. Last evaluated: 2024-09-01. Review status: criteria provided, single submitter. Criteria: CeGaT Center For Human Genetics Tuebingen Variant Classification Criteria Version 2. Collection method: clinical testing. Allele origin: germline. Affected: yes. Observed: 1 variant allele.
Comment: CNGB3: PVS1, PM3:Strong, PM2

Blueprint Genetics
Classification: Likely pathogenic for CNGB3-related disorders. Last evaluated: 2023-09-19. Review status: criteria provided, single submitter. Criteria: ACMG Guidelines, 2015. Collection method: clinical testing. Allele origin: germline. Affected: yes. Observed: 2 variant alleles.

Labcorp Genetics (formerly Invitae), Labcorp
Classification: Pathogenic. Last evaluated: 2022-12-10. Review status: criteria provided, single submitter. Criteria: Invitae Variant Classification Sherloc (09022015). Collection method: clinical testing. Allele origin: germline.
Comment: For these reasons, this variant has been classified as Pathogenic. ClinVar contains an entry for this variant (Variation ID: 427643). This variant is also known as c.29_30insA (p.K10fsX). This premature translational stop signal has been observed in individual(s) with achromatopsia (PMID: 15657609, 28795510). In at least one individual the data is consistent with being in trans (on the opposite chromosome) from a pathogenic variant. This variant is present in population databases (no rsID available, gnomAD 0.002%). This sequence change creates a premature translational stop signal (p.Val11Glyfs*9) in the CNGB3 gene. It is expected to result in an absent or disrupted protein product. Loss-of-function variants in CNGB3 are known to be pathogenic (PMID: 28795510).

Molecular Genetics Laboratory, Institute for Ophthalmic Research
Classification: Pathogenic for ACHM3. Last evaluated: 2017-03-27. Review status: no assertion criteria provided. Collection method: research. Allele origin: germline. Affected: yes. Not counted in ClinVar's aggregate classification.

Literature cited by the submitters: PubMed 28795510 (cited by 3 submitters); PubMed 15657609 (cited by Labcorp Genetics (formerly Invitae), Labcorp).